The following is an entry in ClinVar:

ClinVar aggregate classification (germline): Pathogenic/Likely pathogenic. Review status: criteria provided, multiple submitters, no conflicts (2 of 4 stars). 2 submissions from 2 submitters: Pathogenic (1); Likely pathogenic (1). Last evaluated 2025-11-20.

Conditions:
Alkaptonuria (AKU). Also called: Alcaptonuria; Homogentisic acidura; Alkaptonuric ochronosis; HOMOGENTISIC ACID OXIDASE DEFICIENCY. Identifiers: Orphanet 56, MedGen C0002066, MONDO:0008753, OMIM 203500.

gnomAD v4.1: 2 of 1,613,892 alleles (0.00012%); highest among the groups gnomAD compares: Non-Finnish European, 0.00017%; no homozygotes.

Submissions (2):

3billion
Classification: Likely pathogenic for Alkaptonuria. Last evaluated: 2025-11-20. Review status: criteria provided, single submitter. Criteria: ACMG Guidelines, 2015. Collection method: clinical testing. Allele origin: germline. Affected: yes.
Comment: The variant is observed at an extremely low frequency in the gnomAD v4.1.0 dataset (total allele frequency: <0.001%). Predicted Consequence/Location: Missense variant In silico tool predictions suggest damaging effect of the variant on gene or gene product [REVEL: 0.97 (>=0.6, sensitivity 0.68 and specificity 0.92); 3Cnet: 0.74 (> 0.75, sensitivity 0.96 and precision 0.92)]. The same nucleotide change resulting in the same amino acid change has been previously reported to be associated with HGD-related disorder (ClinVar ID: VCV003385043). Different missense changes at the same codon (p.Gly360Ala, p.Gly360Arg) have been reported as pathogenic/likely pathogenic with strong evidence (ClinVar ID: VCV000640206, VCV002627686 /PMID: 10819641, 21720873). Therefore, this variant is classified as Likely pathogenic according to the recommendation of ACMG/AMP guideline.

Women's Health and Genetics/Laboratory Corporation of America, LabCorp
Classification: Pathogenic for Alkaptonuria. Last evaluated: 2024-10-28. Review status: criteria provided, single submitter. Criteria: LabCorp Variant Classification Summary - May 2015. Collection method: clinical testing. Allele origin: germline.
Comment: Variant summary: HGD c.1079G>T (p.Gly360Val) results in a non-conservative amino acid change located in the Homogentisate 1,2-dioxygenase, C-terminal domain (IPR046451) of the encoded protein sequence. Five of five in-silico tools predict a damaging effect of the variant on protein function. The variant was absent in 251334 control chromosomes (gnomAD). c.1079G>T has been reported in the literature in individuals affected with Alkaptonuria ( Abdelkhalek_2023). These data indicate that the variant is likely to be associated with disease. A different variant affecting the same codon has been classified as pathogenic by our lab (c.1078G>C, p.Gly360Arg), supporting the critical relevance of codon 360 to HGD protein function. The following publication has been ascertained in the context of this evaluation (PMID: 37658095). No submitters have cited clinical-significance assessments for this variant to ClinVar. Based on the evidence outlined above, the variant was classified as pathogenic.

Literature cited by the submitters: PubMed 10819641 (cited by 3billion); PubMed 37658095 (cited by Women's Health and Genetics/Laboratory Corporation of America, LabCorp).

NM_000187.4(HGD):c.1079G>T (p.Gly360Val)

Gene: HGD (homogentisate 1,2-dioxygenase; minus strand). Cytogenetic location: 3q13.33.
Variant type: single nucleotide variant.
Coding change: c.1079G>T on transcript NM_000187.4 (MANE Select); coding-DNA position 1079, G replaced by T.
Protein change: p.Gly360Val; replaces glycine 360 with valine.
Molecular consequence: missense variant.
Genome position (GRCh38, 1-based): chr3:120,633,256, C>A on the plus strand (G>T on the coding strand, the complement: HGD is on the minus strand). VCF-style: chr3-120633256-C-A. GRCh37 (hg19) VCF-style: chr3-120352103-C-A.
Other names: short protein forms G360V.
Identifiers: ClinVar variation 3385043 (VCV003385043.2).